The following is an entry in ClinVar:

NM_004035.7(ACOX1):c.352G>T (p.Glu118Ter)

Gene: ACOX1 (acyl-CoA oxidase 1; minus strand). Cytogenetic location: 17q25.1.
Variant type: single nucleotide variant.
Coding change: c.352G>T on transcript NM_004035.7 (MANE Select); coding-DNA position 352, G replaced by T.
Protein change: p.Glu118Ter; replaces glutamic acid 118 with a stop codon.
Molecular consequence: nonsense. On other transcripts: intron variant (1).
Genome position (GRCh38, 1-based): chr17:75,960,293, C>A on the plus strand (G>T on the coding strand, the complement: ACOX1 is on the minus strand). VCF-style: chr17-75960293-C-A. GRCh37 (hg19) VCF-style: chr17-73956374-C-A.
Other names: c.238G>T, p.Glu80Ter (NM_001185039.2); c.431-2727G>T (NM_007292.6); short protein forms E118*, E80*.
Identifiers: ClinVar variation 4815328 (VCV004815328.1).
Genomic context (GRCh38, chr17:75,960,293, plus strand): 5'-GGGCATAAGTGCCAATGATCTCCAAGTTCCAGGCGGGCATGAAGAAGCGCTCCTGCTGCT[C>A]CGCAGTTGCCTGGTGAAGCAAGGTGGGCAGGAACATGCCCAAGTGAAGATCCAGAGGCTC-3'

ClinVar aggregate classification (germline): Likely pathogenic (1 of 4 stars; one submission).

Conditions:
Acyl-CoA oxidase deficiency. Also called: Peroxisomal acyl-CoA oxidase deficiency; STRAIGHT-CHAIN ACYL-CoA OXIDASE DEFICIENCY; Pseudoneonatal adrenoleukodystrophy. Identifiers: Orphanet 2971, MedGen C1849678, MONDO:0009919, OMIM 264470. Disease mechanism: loss of function.

Submission:

Natera, Inc.
Classification: Likely pathogenic for Peroxisomal acyl-CoA oxidase deficiency. Last evaluated: 2025-11-06. Review status: criteria provided, single submitter. Criteria: Natera Variant Classification Schema (03/2026). Collection method: clinical testing. Allele origin: germline.
Comment: The c.352G>T variant in ACOX1 is a nonsense variant predicted to introduce a stop codon at amino acid 118. This variant is expected to result in nonsense mediated decay, truncation, or a dysfunctional protein product. This variant is rare in the general population with a frequency below the threshold expected for the associated phenotype(s). Given the available evidence, this variant is classified as Likely Pathogenic.